The following is an entry in ClinVar:

ClinVar aggregate classification (germline): Conflicting classifications of pathogenicity. Review status: criteria provided, conflicting classifications (1 of 4 stars). 2 submissions from 2 submitters: Uncertain significance (1); Likely benign (1). Last evaluated 2025-03-19.

Conditions:
Ataxia-telangiectasia syndrome (AT). Also called: Ataxia-telangiectasia, complementation group E; Cerebello-oculocutaneous telangiectasia; Immunodeficiency with ataxia telangiectasia; Ataxia-telangiectasia, complementation group D; AT, COMPLEMENTATION GROUP C; Ataxia-telangiectasia. Identifiers: Orphanet 100, MedGen C0004135, MONDO:0008840, OMIM 208900.
Hereditary cancer-predisposing syndrome. Also called: Neoplastic Syndromes, Hereditary; Hereditary Cancer Syndrome; Hereditary neoplastic syndrome; Tumor predisposition. Identifiers: Orphanet 140162, MedGen C0027672, MeSH D009386, MONDO:0015356.

gnomAD v4.1: 1 of 1,614,198 alleles (0.000062%); highest among the groups gnomAD compares: Non-Finnish European, 0.000085%; no homozygotes.

Submissions (2):

Labcorp Genetics (formerly Invitae), Labcorp
Classification: Uncertain significance for Ataxia-telangiectasia syndrome. Last evaluated: 2025-03-19. Review status: criteria provided, single submitter. Criteria: Invitae Variant Classification Sherloc (09022015). Collection method: clinical testing. Allele origin: germline.
Comment: This sequence change replaces methionine, which is neutral and non-polar, with valine, which is neutral and non-polar, at codon 855 of the ATM protein (p.Met855Val). This variant is not present in population databases (gnomAD no frequency). This variant has not been reported in the literature in individuals affected with ATM-related conditions. ClinVar contains an entry for this variant (Variation ID: 848252). Invitae Evidence Modeling of protein sequence and biophysical properties (such as structural, functional, and spatial information, amino acid conservation, physicochemical variation, residue mobility, and thermodynamic stability) indicates that this missense variant is not expected to disrupt ATM protein function with a negative predictive value of 95%. In summary, the available evidence is currently insufficient to determine the role of this variant in disease. Therefore, it has been classified as a Variant of Uncertain Significance.

Ambry Genetics
Classification: Likely benign for Hereditary cancer-predisposing syndrome. Last evaluated: 2023-12-26. Review status: criteria provided, single submitter. Criteria: Ambry Variant Classification Scheme 2023. Collection method: clinical testing. Allele origin: germline.

NM_000051.4(ATM):c.2563A>G (p.Met855Val)

Gene: ATM (ATM serine/threonine kinase; plus strand). Cytogenetic location: 11q22.3.
Variant type: single nucleotide variant.
Coding change: c.2563A>G on transcript NM_000051.4 (MANE Select); coding-DNA position 2563, A replaced by G.
Protein change: p.Met855Val; replaces methionine 855 with valine.
Molecular consequence: missense variant.
Genome position (GRCh38, 1-based): chr11:108,267,267, A>G. VCF-style: chr11-108267267-A-G. GRCh37 (hg19) VCF-style: chr11-108137994-A-G.
Other names: c.2563A>G, p.Met855Val (NM_001351834.2); short protein forms M855V.
Identifiers: ClinVar variation 848252 (VCV000848252.8), dbSNP rs749844591, ClinGen allele CA382543805.